The following is an entry in ClinVar:

NM_002693.3(POLG):c.2071-19G>A

Gene: POLG (DNA polymerase gamma, catalytic subunit; minus strand). Cytogenetic location: 15q26.1.
Variant type: single nucleotide variant.
Coding change: c.2071-19G>A on transcript NM_002693.3 (MANE Select); 19 bases into the intron before coding-DNA position 2071, G replaced by A.
Molecular consequence: intron variant.
Genome position (GRCh38, 1-based): chr15:89,323,920, C>T on the plus strand (G>A on the coding strand, the complement: POLG is on the minus strand). VCF-style: chr15-89323920-C-T. GRCh37 (hg19) VCF-style: chr15-89867151-C-T.
Other names: c.2071-19G>A (NM_001126131.2).
Identifiers: ClinVar variation 1501632 (VCV001501632.6), dbSNP rs1042766729, ClinGen allele CA2532818099.

ClinVar aggregate classification (germline): Uncertain significance (1 of 4 stars; one submission).

Conditions:
Progressive sclerosing poliodystrophy (MTDPS4A). Also called: Mitochondrial DNA depletion syndrome 4A (Alpers type); ALPERS PROGRESSIVE INFANTILE POLIODYSTROPHY; NEURONAL DEGENERATION OF CHILDHOOD WITH LIVER DISEASE, PROGRESSIVE; Mitochondrial DNA Depletion Syndrome 4A; Alpers-Huttenlocher Syndrome (AHS); Alpers Syndrome. Identifiers: Orphanet 726, MedGen C0205710, MONDO:0008758, OMIM 203700.

gnomAD v4.1: 7 of 1,601,366 alleles (0.00044%); highest among the groups gnomAD compares: Non-Finnish European, 0.00043%; no homozygotes.

Submission:

Labcorp Genetics (formerly Invitae), Labcorp
Classification: Uncertain significance for Progressive sclerosing poliodystrophy. Last evaluated: 2024-09-03. Review status: criteria provided, single submitter. Criteria: Invitae Variant Classification Sherloc (09022015). Collection method: clinical testing. Allele origin: germline.
Comment: This sequence change falls in intron 11 of the POLG gene. It does not directly change the encoded amino acid sequence of the POLG protein. This variant is not present in population databases (gnomAD no frequency). This variant has not been reported in the literature in individuals affected with POLG-related conditions. ClinVar contains an entry for this variant (Variation ID: 1501632). Algorithms developed to predict the effect of sequence changes on RNA splicing suggest that this variant may create or strengthen a splice site. In summary, the available evidence is currently insufficient to determine the role of this variant in disease. Therefore, it has been classified as a Variant of Uncertain Significance.